The following is an entry in ClinVar:

NM_023067.4(FOXL2):c.249_250dup (p.Ile84fs)

Gene: FOXL2 (forkhead box L2; minus strand). Cytogenetic location: 3q22.3.
Variant type: Duplication.
Coding change: c.249_250dup on transcript NM_023067.4 (MANE Select); coding-DNA positions 249 to 250, 2 bases duplicated (CA; older notation c.249_250dupCA).
Protein change: p.Ile84fs; shifts the reading frame from isoleucine 84.
Molecular consequence: frameshift variant.
Genome position (GRCh38, 1-based): chr3:138,946,473-138,946,474, TG duplicated on the plus strand (CA on the coding strand, the reverse complement: FOXL2 is on the minus strand); duplicating any 2 consecutive bases within chr3:138,946,473-138,946,475 gives the same sequence; the c. name uses the placement nearest the transcript's 3' end. VCF-style (leftmost placement, unchanged base first): chr3-138946472-A-ATG. GRCh37 (hg19) VCF-style: chr3-138665314-A-ATG.
Other names: short protein forms I84fs.
Identifiers: ClinVar variation 2812820 (VCV002812820.3), dbSNP rs2473814963, ClinGen allele CA2739278058.

ClinVar aggregate classification (germline): Pathogenic (1 of 4 stars; one submission).

Submission:

Labcorp Genetics (formerly Invitae), Labcorp
Classification: Pathogenic. Last evaluated: 2022-11-08. Review status: criteria provided, single submitter. Criteria: Invitae Variant Classification Sherloc (09022015). Collection method: clinical testing. Allele origin: germline.
Comment: For these reasons, this variant has been classified as Pathogenic. This variant disrupts a region of the FOXL2 protein in which other variant(s) (p.Pro307Hisfs*52) have been determined to be pathogenic (PMID: 11468277). This suggests that this is a clinically significant region of the protein, and that variants that disrupt it are likely to be disease-causing. This variant has not been reported in the literature in individuals affected with FOXL2-related conditions. This variant is not present in population databases (gnomAD no frequency). This sequence change creates a premature translational stop signal (p.Ile84Thrfs*67) in the FOXL2 gene. While this is not anticipated to result in nonsense mediated decay, it is expected to disrupt the last 293 amino acid(s) of the FOXL2 protein.

Literature cited by the submitters: PubMed 11468277.